The following is an entry in ClinVar:

NM_004006.3(DMD):c.10826C>T (p.Thr3609Ile)

Gene: DMD (dystrophin; minus strand). Cytogenetic location: Xp21.2.
Variant type: single nucleotide variant.
Coding change: c.10826C>T on transcript NM_004006.3 (MANE Select); coding-DNA position 10826, C replaced by T.
Protein change: p.Thr3609Ile; replaces threonine 3609 with isoleucine.
Molecular consequence: missense variant.
Genome position (GRCh38, 1-based): chrX:31,146,386, G>A on the plus strand (C>T on the coding strand, the complement: DMD is on the minus strand). VCF-style: chrX-31146386-G-A. GRCh37 (hg19) VCF-style: chrX-31164503-G-A.
Other names: c.10802C>T, p.Thr3601Ile (NM_000109.4); c.10814C>T, p.Thr3605Ile (NM_004009.3); c.10457C>T, p.Thr3486Ile (NM_004010.3); c.6803C>T, p.Thr2268Ile (NM_004011.4); c.6794C>T, p.Thr2265Ile (NM_004012.4); c.3446C>T, p.Thr1149Ile (NM_004013.3, NM_004021.3); c.2639C>T, p.Thr880Ile (NM_004014.3); c.1622C>T, p.Thr541Ile (NM_004015.3, NM_004016.3); and 3 more; short protein forms T3609I, T3486I, T1039I, T1136I, T1149I, T2265I, T3601I, T528I.
Identifiers: ClinVar variation 450932 (VCV000450932.4), dbSNP rs1555996685, ClinGen allele CA412648903.
Genomic context (GRCh38, chrX:31,146,386, plus strand): 5'-AGCAGCATAGGCTGACTGCTGTCGGACCTCTGTAGAGAGGTAGAAGGAGAGGACACCGTT[G>A]TGCCATTCACTTTGGCCTCTGCCTGGGGCTAAGTCATCCAAAAGAAAACAGAATTACTTT-3'
Protein context (NP_003997.2, residues 3599-3619): QPQAEAKVNG[Thr3609Ile]TVSSPSTSLQ

ClinVar aggregate classification (germline): Uncertain significance. Review status: criteria provided, multiple submitters, no conflicts (2 of 4 stars). 3 submissions from 3 submitters: Uncertain significance (2). 1 of the submissions does not count toward it. Last evaluated 2020-01-11.

Conditions:
Becker muscular dystrophy (BMD). Also called: MUSCULAR DYSTROPHY, PSEUDOHYPERTROPHIC PROGRESSIVE, BECKER TYPE; Becker Muscular Dystrophy (BMD). Identifiers: Orphanet 98895, MedGen C0917713, MONDO:0010311, OMIM 300376.
Cardiomyopathy (CMYO). Also called: Cardiomyopathies. Identifiers: Orphanet 167848, MedGen C0878544, MONDO:0004994, HP:0001638. Inheritance: Various modes of inheritance.
Duchenne muscular dystrophy (DMD). Also called: MUSCULAR DYSTROPHY, PSEUDOHYPERTROPHIC PROGRESSIVE, DUCHENNE TYPE; Duchenne Muscular Dystrophy (DMD). Identifiers: Orphanet 98896, MedGen C0013264, MONDO:0010679, OMIM 310200.
Dystrophin deficiency.

Submissions (3):

Baylor Genetics
Classification: Uncertain significance for Becker muscular dystrophy. Last evaluated: 2020-01-11. Review status: criteria provided, single submitter. Criteria: ACMG Guidelines, 2015. Collection method: clinical testing. Allele origin: unknown. Affected: yes.
Comment: This variant was determined to be of uncertain significance according to ACMG Guidelines, 2015 [PMID:25741868].

GeneDx
Classification: Uncertain significance. Last evaluated: 2017-07-28. Review status: criteria provided, single submitter. Criteria: GeneDx Variant Classification (06012015). Collection method: clinical testing. Allele origin: germline. Affected: yes.
Comment: The T3609I variant has not been published as a pathogenic variant, nor has it been reported as a benign variant to our knowledge. The T3609I variant is not observed in large population cohorts (Lek et al., 2016; 1000 Genomes Consortium et al., 2015; Exome Variant Server). This variant is a non-conservative amino acid substitution, which is likely to impact secondary protein structure as these residues differ in polarity, charge, size and/or other properties. This substitution occurs at a position that is conserved across species, however, missense variants in nearby residues have not been reported in the Human Gene Mutation Database in association with dystrophinopathies (Stenson et al., 2014). In silico analysis is inconsistent in its predictions as to whether or not the variant is damaging to the protein structure/function.

Natera, Inc.
Classification: Uncertain significance for Becker muscular dystrophy; Cardiomyopathy; Duchenne muscular dystrophy; Dystrophin deficiency. Last evaluated: 2018-03-27. Review status: no assertion criteria provided. Collection method: clinical testing. Allele origin: germline. Not counted in ClinVar's aggregate classification.